The following is an entry in ClinVar:

ClinVar aggregate classification (germline): Conflicting classifications of pathogenicity. Review status: criteria provided, conflicting classifications (1 of 4 stars). 9 submissions from 9 submitters: Uncertain significance (4); Likely benign (4). 1 of the submissions does not count toward it. Last evaluated 2026-09-01.

Conditions:
Inborn genetic diseases. Identifiers: MedGen C0950123, MeSH D030342.
CERKL-related disorder. Also called: CERKL-related condition.
Retinitis pigmentosa (RP). Identifiers: Orphanet 791, MedGen C0035334, MeSH D012174, MONDO:0019200, OMIM 268000. Inheritance: Autosomal dominant, autosomal recessive and X linked inheritance.

Allele frequency attached by ClinVar (database versions not stated): gnomAD 0.00074 and 0.00076; 1000 Genomes Project 30x 0.00016; 1000 Genomes Project 0.00020; gnomAD exomes 0.00085 and 0.00130; ESP Exome Variant Server 0.00077; ExAC 0.00079; TOPMed 0.00083.
gnomAD v4.1: 1,984 of 1,603,852 alleles (0.12%); highest among the groups gnomAD compares: Non-Finnish European, 0.16%; 4 homozygotes.

Submissions (9):

CeGaT Center for Human Genetics Tuebingen
Classification: Likely benign. Last evaluated: 2026-09-01. Review status: criteria provided, single submitter. Criteria: CeGaT Center For Human Genetics Tuebingen Variant Classification Criteria Version 2. Collection method: clinical testing. Allele origin: germline. Affected: yes. Observed: 4 variant alleles.
Comment: CERKL: BP4

Labcorp Genetics (formerly Invitae), Labcorp
Classification: Likely benign. Last evaluated: 2026-01-28. Review status: criteria provided, single submitter. Criteria: Invitae Variant Classification Sherloc (09022015). Collection method: clinical testing. Allele origin: germline.

PreventionGenetics, part of Exact Sciences
Classification: Likely benign for CERKL-related condition. Last evaluated: 2025-05-09. Review status: criteria provided, single submitter. Criteria: ACMG Guidelines, 2015. Collection method: clinical testing. Allele origin: germline.
Comment: This variant is classified as likely benign based on ACMG/AMP sequence variant interpretation guidelines (Richards et al. 2015 PMID: 25741868, with internal and published modifications).

Blueprint Genetics
Classification: Likely benign. Last evaluated: 2024-11-26. Review status: criteria provided, single submitter. Criteria: ACMG Guidelines, 2015. Collection method: clinical testing. Allele origin: germline.

Ambry Genetics
Classification: Uncertain significance for Inborn genetic diseases. Last evaluated: 2021-09-17. Review status: criteria provided, single submitter. Criteria: Ambry Variant Classification Scheme 2023. Collection method: clinical testing. Allele origin: germline.

GeneDx
Classification: Uncertain significance. Last evaluated: 2019-11-04. Review status: criteria provided, single submitter. Criteria: GeneDx Variant Classification Process June 2021. Collection method: clinical testing. Allele origin: germline. Affected: yes.
Comment: In silico analysis, which includes protein predictors and evolutionary conservation, supports a deleterious effect; Has not been previously published as pathogenic or benign to our knowledge

Illumina Laboratory Services, Illumina
Classification: Uncertain significance for Retinitis pigmentosa. Last evaluated: 2018-01-12. Review status: criteria provided, single submitter. Criteria: ICSL Variant Classification Criteria 13 December 2019. Collection method: clinical testing. Allele origin: germline.

Eurofins Ntd Llc (ga)
Classification: Uncertain significance. Last evaluated: 2014-02-19. Review status: criteria provided, single submitter. Criteria: EGL Classification Definitions 2015. Collection method: clinical testing. Allele origin: germline. Observed: 1 variant allele, 1 heterozygote.

Natera, Inc.
Classification: Uncertain significance for Retinitis pigmentosa. Last evaluated: 2020-01-06. Review status: no assertion criteria provided. Collection method: clinical testing. Allele origin: germline. Not counted in ClinVar's aggregate classification.

NM_201548.5(CERKL):c.1523C>T (p.Ser508Leu)

Gene: CERKL (CERK like autophagy regulator; minus strand). Cytogenetic location: 2q31.3.
Variant type: single nucleotide variant.
Coding change: c.1523C>T on transcript NM_201548.5 (MANE Select); coding-DNA position 1523, C replaced by T.
Protein change: p.Ser508Leu; replaces serine 508 with leucine.
Molecular consequence: missense variant. On other transcripts: non-coding transcript variant (2).
Genome position (GRCh38, 1-based): chr2:181,539,107, G>A on the plus strand (C>T on the coding strand, the complement: CERKL is on the minus strand). VCF-style: chr2-181539107-G-A. GRCh37 (hg19) VCF-style: chr2-182403834-G-A.
Other names: c.1601C>T, p.Ser534Leu (NM_001030311.3); c.1184C>T, p.Ser395Leu (NM_001030312.3); c.1316C>T, p.Ser439Leu (NM_001030313.3); c.1469C>T, p.Ser490Leu (NM_001160277.2); short protein forms S508L, S534L, S395L, S439L, S490L.
Identifiers: ClinVar variation 166843 (VCV000166843.61), dbSNP rs146913105, ClinGen allele CA233684.
Genomic context (GRCh38, chr2:181,539,107, plus strand): 5'-TTATGTTTACTGGTTGACAATAAGCGGTGAAATAAATAGACTTACCTAATATGGACCTCT[G>A]ATGCAACTTCCATTAAGTCACCATCTACATTCCAAGGGAAACAATTTTCTGAAGCAGTTT-3'
Protein context (NP_963842.1, residues 498-518): NVDGDLMEVA[Ser508Leu]EVHIRLHPRL